The following is an entry in ClinVar:

ClinVar aggregate classification (germline): Uncertain significance. Review status: criteria provided, multiple submitters, no conflicts (2 of 4 stars). 2 submissions from 2 submitters: Uncertain significance (2). Last evaluated 2024-08-05.

Conditions:
Inborn genetic diseases. Identifiers: MedGen C0950123, MeSH D030342.

Allele frequency attached by ClinVar (database versions not stated): TOPMed below 0.00001; ExAC 0.00001; gnomAD 0.00001; gnomAD exomes 0.00004.
gnomAD v4.1: 59 of 1,614,106 alleles (0.0037%); highest among the groups gnomAD compares: Non-Finnish European, 0.0044%; no homozygotes.

Submissions (2):

Ambry Genetics
Classification: Uncertain significance for Inborn genetic diseases. Last evaluated: 2024-08-05. Review status: criteria provided, single submitter. Criteria: Ambry Variant Classification Scheme 2023. Collection method: clinical testing. Allele origin: germline.

Labcorp Genetics (formerly Invitae), Labcorp
Classification: Uncertain significance. Last evaluated: 2024-01-24. Review status: criteria provided, single submitter. Criteria: Invitae Variant Classification Sherloc (09022015). Collection method: clinical testing. Allele origin: germline.
Comment: This sequence change replaces phenylalanine, which is neutral and non-polar, with serine, which is neutral and polar, at codon 689 of the NSUN2 protein (p.Phe689Ser). This variant is present in population databases (rs781619029, gnomAD 0.004%). This variant has not been reported in the literature in individuals affected with NSUN2-related conditions. ClinVar contains an entry for this variant (Variation ID: 2381497). Advanced modeling of protein sequence and biophysical properties (such as structural, functional, and spatial information, amino acid conservation, physicochemical variation, residue mobility, and thermodynamic stability) performed at Invitae indicates that this missense variant is not expected to disrupt NSUN2 protein function with a negative predictive value of 80%. In summary, the available evidence is currently insufficient to determine the role of this variant in disease. Therefore, it has been classified as a Variant of Uncertain Significance.

NM_017755.6(NSUN2):c.2066T>C (p.Phe689Ser)

Gene: NSUN2 (NOP2/Sun RNA methyltransferase 2; minus strand). Cytogenetic location: 5p15.31.
Variant type: single nucleotide variant.
Coding change: c.2066T>C on transcript NM_017755.6 (MANE Select); coding-DNA position 2066, T replaced by C.
Protein change: p.Phe689Ser; replaces phenylalanine 689 with serine.
Molecular consequence: missense variant. On other transcripts: non-coding transcript variant (1).
Genome position (GRCh38, 1-based): chr5:6,600,164, A>G on the plus strand (T>C on the coding strand, the complement: NSUN2 is on the minus strand). VCF-style: chr5-6600164-A-G. GRCh37 (hg19) VCF-style: chr5-6600277-A-G.
Other names: c.1961T>C, p.Phe654Ser (NM_001193455.2); short protein forms F654S, F689S.
Identifiers: ClinVar variation 2381497 (VCV002381497.5), dbSNP rs781619029, ClinGen allele CA3192191.